The following is an entry in ClinVar:

ClinVar aggregate classification (germline): Uncertain significance (1 of 4 stars; one submission).

Conditions:
Dilated cardiomyopathy 1KK (CMD1KK). Identifiers: Orphanet 154, Orphanet 75249, MedGen C3714995, MONDO:0014100, OMIM 615248.

Allele frequency attached by ClinVar (database versions not stated): gnomAD exomes 0.00001.
gnomAD v4.1: 11 of 1,609,122 alleles (0.00068%); highest among the groups gnomAD compares: Non-Finnish European, 0.00094%; no homozygotes.

Submission:

Agnes Ginges Centre for Molecular Cardiology, Centenary Institute
Classification: Uncertain significance for Dilated cardiomyopathy 1KK. Last evaluated: 2017-09-12. Review status: criteria provided, single submitter. Criteria: ACMG Guidelines, 2015. Collection method: research. Allele origin: germline. Affected: yes.
Comment: The MYPN c.1600+4A>G variant has not been previously reported and is absent from the Exome Aggregation Consortium dataset. Splice prediction tools suggest that the variant does not result in a significant change and is unlikely to cause splicing. In summary the evidence for the pathogenicity of this variant is lacking, therefore we classify MYPN c.1600+4A>G as a variant of 'uncertain significance'.

NM_032578.4(MYPN):c.1600+4A>G

Gene: MYPN (myopalladin; plus strand). Cytogenetic location: 10q21.3.
Variant type: single nucleotide variant.
Coding change: c.1600+4A>G on transcript NM_032578.4 (MANE Select); 4 bases into the intron after coding-DNA position 1600, A replaced by G.
Molecular consequence: intron variant.
Genome position (GRCh38, 1-based): chr10:68,165,822, A>G. VCF-style: chr10-68165822-A-G. GRCh37 (hg19) VCF-style: chr10-69925579-A-G.
Other names: c.1600+4A>G (NM_001256267.2); c.718+4A>G (NM_001256268.2).
Identifiers: ClinVar variation 692123 (VCV000692123.3), dbSNP rs1589577356, ClinGen allele CA915945928.